The following is an entry in ClinVar:

ClinVar aggregate classification (germline): Conflicting classifications of pathogenicity. Review status: criteria provided, conflicting classifications (1 of 4 stars). 2 submissions from 2 submitters: Uncertain significance (1); Likely benign (1). Last evaluated 2022-06-09.

Conditions:
Inborn genetic diseases. Identifiers: MedGen C0950123, MeSH D030342.

Allele frequency attached by ClinVar (database versions not stated): ExAC 0.00001; gnomAD 0.00001; gnomAD exomes 0.00001 and 0.00004; TOPMed 0.00004.
gnomAD v4.1: 13 of 1,610,522 alleles (0.00081%); highest among the groups gnomAD compares: Admixed American, 0.019%; no homozygotes.

Submissions (2):

Ambry Genetics
Classification: Likely benign for Inborn genetic diseases. Last evaluated: 2022-06-09. Review status: criteria provided, single submitter. Criteria: Ambry Variant Classification Scheme 2023. Collection method: clinical testing. Allele origin: germline.

GeneDx
Classification: Uncertain significance. Last evaluated: 2022-01-31. Review status: criteria provided, single submitter. Criteria: GeneDx Variant Classification Process June 2021. Collection method: clinical testing. Allele origin: germline. Affected: yes.
Comment: In silico analysis supports that this missense variant does not alter protein structure/function; Has not been previously published as pathogenic or benign to our knowledge

NM_001003722.2(GLE1):c.1087C>T (p.Pro363Ser)

Gene: GLE1 (GLE1 RNA export mediator; plus strand). Cytogenetic location: 9q34.11.
Variant type: single nucleotide variant.
Coding change: c.1087C>T on transcript NM_001003722.2 (MANE Select); coding-DNA position 1087, C replaced by T.
Protein change: p.Pro363Ser; replaces proline 363 with serine.
Molecular consequence: missense variant.
Genome position (GRCh38, 1-based): chr9:128,525,381, C>T. VCF-style: chr9-128525381-C-T. GRCh37 (hg19) VCF-style: chr9-131287660-C-T.
Other names: c.1087C>T, p.Pro363Ser (NM_001499.2); short protein forms P363S.
Identifiers: ClinVar variation 1699696 (VCV001699696.5), dbSNP rs769313068, ClinGen allele CA5263769.